The following is an entry in ClinVar:

NM_003737.4(DCHS1):c.1858G>A (p.Gly620Arg)

Gene: DCHS1 (dachsous cadherin-related 1; minus strand). Cytogenetic location: 11p15.4.
Variant type: single nucleotide variant.
Coding change: c.1858G>A on transcript NM_003737.4 (MANE Select); coding-DNA position 1858, G replaced by A.
Protein change: p.Gly620Arg; replaces glycine 620 with arginine.
Molecular consequence: missense variant.
Genome position (GRCh38, 1-based): chr11:6,634,246, C>T on the plus strand (G>A on the coding strand, the complement: DCHS1 is on the minus strand). VCF-style: chr11-6634246-C-T. GRCh37 (hg19) VCF-style: chr11-6655477-C-T.
Other names: short protein forms G620R.
Identifiers: ClinVar variation 3696642 (VCV003696642.2).

ClinVar aggregate classification (germline): Uncertain significance (1 of 4 stars; one submission).

Submission:

Labcorp Genetics (formerly Invitae), Labcorp
Classification: Uncertain significance. Last evaluated: 2024-03-12. Review status: criteria provided, single submitter. Criteria: Invitae Variant Classification Sherloc (09022015). Collection method: clinical testing. Allele origin: germline.
Comment: This sequence change replaces glycine, which is neutral and non-polar, with arginine, which is basic and polar, at codon 620 of the DCHS1 protein (p.Gly620Arg). This variant is present in population databases (rs754610576, gnomAD no frequency). This variant has not been reported in the literature in individuals affected with DCHS1-related conditions. An algorithm developed to predict the effect of missense changes on protein structure and function (PolyPhen-2) suggests that this variant is likely to be disruptive. In summary, the available evidence is currently insufficient to determine the role of this variant in disease. Therefore, it has been classified as a Variant of Uncertain Significance.